The following is an entry in ClinVar:

NM_001387690.1(KATNAL2):c.51+16829C>T

Gene: KATNAL2 (katanin catalytic subunit A1 like 2; plus strand). Cytogenetic location: 18q21.1.
Variant type: single nucleotide variant.
Coding change: c.51+16829C>T on transcript NM_001387690.1 (MANE Select); 16829 bases into the intron after coding-DNA position 51, C replaced by T.
Molecular consequence: intron variant.
Genome position (GRCh38, 1-based): chr18:46,963,752, C>T. VCF-style: chr18-46963752-C-T. GRCh37 (hg19) VCF-style: chr18-44543715-C-T.
Other names: c.-2+16829C>T (NM_001353904.1, NM_001353903.1, NM_001353907.1 and 3 more transcripts); c.129+16829C>T (NM_001353899.1, NM_001353900.1, NM_001353902.1); c.51+16829C>T (NM_001353901.1, NM_001367621.1); c.-295+16829C>T (NM_001353905.1); c.-95+16829C>T (NM_031303.3).
Identifiers: ClinVar variation 2648706 (VCV002648706.23), dbSNP rs1312053498, ClinGen allele CA503996849.
Genomic context (GRCh38, chr18:46,963,752, plus strand): 5'-AGGCGATTTCTGAGCCGAAGCCCCGCGGGACGATTTGTGCCCCTTGCTGTGGCTCCCCAC[C>T]GCTTCCCCCTGGGGTTGGCCCTGGCAGCCTTGACCCAGCAGAGGCCCGCCCTGAGCGGCG-3'

ClinVar aggregate classification (germline): Likely benign (1 of 4 stars; one submission).

Submission:

CeGaT Center for Human Genetics Tuebingen
Classification: Likely benign. Last evaluated: 2023-02-01. Review status: criteria provided, single submitter. Criteria: CeGaT Center For Human Genetics Tuebingen Variant Classification Criteria Version 2. Collection method: clinical testing. Allele origin: germline. Affected: yes. Observed: 1 variant allele.
Comment: ELOA3DP: BP4, BP7